The following is an entry in ClinVar:

NM_022124.6(CDH23):c.8064+1G>A

Genes: CDH23 (cadherin related 23; plus strand), LOC111982869 (Sharpr-MPRA regulatory region 2121; plus strand). Cytogenetic location: 10q22.1.
Variant type: single nucleotide variant.
Coding change: c.8064+1G>A on transcript NM_022124.6 (MANE Select); the canonical splice donor site of the intron after coding-DNA position 8064, G replaced by A.
Molecular consequence: splice donor variant.
Genome position (GRCh38, 1-based): chr10:71,805,998, G>A. VCF-style: chr10-71805998-G-A. GRCh37 (hg19) VCF-style: chr10-73565755-G-A.
Other names: c.1344+1G>A (NM_001171933.1, NM_001171934.1); c.8064+1G>A (NM_022124.5).
Identifiers: ClinVar variation 1067155 (VCV001067155.10), dbSNP rs1474524543, ClinGen allele CA377162266.

ClinVar aggregate classification (germline): Pathogenic/Likely pathogenic. Review status: criteria provided, multiple submitters, no conflicts (2 of 4 stars). 3 submissions from 3 submitters: Pathogenic (1); Likely pathogenic (2). Last evaluated 2024-10-26.

Conditions:
Usher syndrome. Also called: Usher Syndromes; Usher's syndrome. Identifiers: Orphanet 886, MedGen CN469326, MeSH D052245, MONDO:0019501. Disease mechanism: loss of function.
Usher syndrome type 1 (USH1). Also called: RETINITIS PIGMENTOSA AND CONGENITAL DEAFNESS. Identifiers: Orphanet 231169, Orphanet 886, MedGen C1568247, MONDO:0010168, OMIM 276900.

Submissions (3):

Natera, Inc.
Classification: Likely pathogenic for Usher syndrome type 1. Last evaluated: 2024-10-26. Review status: criteria provided, single submitter. Criteria: Natera Variant Classification Schema (03/2026). Collection method: clinical testing. Allele origin: germline.
Comment: The c.8064+1G>A variant in CDH23 is a canonical splice donor site variant predicted to affect pre-mRNA splicing, which may result in an abnormal transcript and altered protein product. This variant is expected to result in nonsense mediated decay, truncation, or a dysfunctional protein product. This variant is rare in the general population with a frequency below the threshold expected for the associated phenotype(s). Given the available evidence, this variant is classified as Likely Pathogenic.

Labcorp Genetics (formerly Invitae), Labcorp
Classification: Pathogenic. Last evaluated: 2023-08-28. Review status: criteria provided, single submitter. Criteria: Invitae Variant Classification Sherloc (09022015). Collection method: clinical testing. Allele origin: germline.
Comment: For these reasons, this variant has been classified as Pathogenic. Algorithms developed to predict the effect of sequence changes on RNA splicing suggest that this variant may disrupt the consensus splice site. ClinVar contains an entry for this variant (Variation ID: 1067155). Disruption of this splice site has been observed in individual(s) with Usher syndrome (PMID: 35020051). In at least one individual the data is consistent with being in trans (on the opposite chromosome) from a pathogenic variant. This variant is not present in population databases (gnomAD no frequency). This sequence change affects a donor splice site in intron 56 of the CDH23 gene. It is expected to disrupt RNA splicing. Variants that disrupt the donor or acceptor splice site typically lead to a loss of protein function (PMID: 16199547), and loss-of-function variants in CDH23 are known to be pathogenic (PMID: 11138009, 21940737).

Women's Health and Genetics/Laboratory Corporation of America, LabCorp
Classification: Likely pathogenic for Usher syndrome. Last evaluated: 2022-12-23. Review status: criteria provided, single submitter. Criteria: LabCorp Variant Classification Summary - May 2015. Collection method: clinical testing. Allele origin: germline.
Comment: Variant summary: CDH23 c.8064+1G>A is located in a canonical splice-site and is predicted to affect mRNA splicing resulting in a significantly altered protein due to either exon skipping, shortening, or inclusion of intronic material. Several computational tools predict a significant impact on normal splicing: Four predict the variant abolishes the canonical 5' splicing donor site. However, these predictions have yet to be confirmed by functional studies. The variant was absent in 232862 control chromosomes (gnomAD). c.8064+1G>A has been reported in the literature in at-least one individual affected with hearing loss (example: Usami_2022). This report does not provide unequivocal conclusions about association of the variant with Usher Syndrome. To our knowledge, no experimental evidence demonstrating an impact on protein function has been reported. Two clinical diagnostic laboratories have submitted clinical-significance assessments for this variant to ClinVar after 2014 and all classified the variant as likely pathogenic. Based on the evidence outlined above, the variant was classified as likely pathogenic.

Literature cited by the submitters: PubMed 35020051 (cited by Labcorp Genetics (formerly Invitae), Labcorp and Women's Health and Genetics/Laboratory Corporation of America, LabCorp); PubMed 16199547 (cited by Labcorp Genetics (formerly Invitae), Labcorp); PubMed 11138009 (cited by Labcorp Genetics (formerly Invitae), Labcorp); PubMed 21940737 (cited by Labcorp Genetics (formerly Invitae), Labcorp).